The following is an entry in ClinVar:

NM_004329.3(BMPR1A):c.1426_1427dup (p.Lys477fs)

Gene: BMPR1A (bone morphogenetic protein receptor type 1A; plus strand). Cytogenetic location: 10q23.2.
Variant type: Microsatellite.
Coding change: c.1426_1427dup on transcript NM_004329.3 (MANE Select); coding-DNA positions 1426 to 1427, 2 bases duplicated (GT; older notation c.1426_1427dupGT).
Protein change: p.Lys477fs; shifts the reading frame from lysine 477.
Molecular consequence: frameshift variant. On other transcripts: non-coding transcript variant (3).
Genome position (GRCh38, 1-based): chr10:86,923,459-86,923,460, GT duplicated; duplicating any 2 consecutive bases within chr10:86,923,452-86,923,460 gives the same sequence; the c. name uses the placement nearest the transcript's 3' end. VCF-style (leftmost placement, unchanged base first): chr10-86923451-T-TTG. GRCh37 (hg19) VCF-style: chr10-88683208-T-TTG.
Other names: c.1501_1502dup, p.Lys502fs (NM_001406559.1); c.1474_1475dup, p.Lys493fs (NM_001406560.1); c.1426_1427dup, p.Lys477fs (NM_001406561.1, NM_001406562.1, NM_001406563.1 and 19 more transcripts); c.1420_1421dup, p.Lys475fs (NM_001406583.1); c.1342_1343dup, p.Lys449fs (NM_001406584.1, NM_001406585.1, NM_001406586.1 and 2 more transcripts); c.1084_1085dup, p.Lys363fs (NM_001406589.1); c.1420_1421GT[5], p.Lys477Serfs (NM_004329.2); c.1426_1427dupGT (NM_004329.2); short protein forms K449fs, K477fs, K502fs, K363fs, K493fs, K475fs.
Identifiers: ClinVar variation 3824726 (VCV003824726.1).

ClinVar aggregate classification (germline): Pathogenic (1 of 4 stars; one submission).

Conditions:
Hereditary cancer-predisposing syndrome. Also called: Hereditary neoplastic syndrome; Neoplastic Syndromes, Hereditary; Tumor predisposition; Hereditary Cancer Syndrome. Identifiers: Orphanet 140162, MedGen C0027672, MeSH D009386, MONDO:0015356.

Submission:

Ambry Genetics
Classification: Pathogenic for Hereditary cancer-predisposing syndrome. Last evaluated: 2025-01-21. Review status: criteria provided, single submitter. Criteria: Ambry Variant Classification Scheme 2023. Collection method: clinical testing. Allele origin: germline.
Comment: The c.1426_1427dupGT (p.K477Sfs*22) alteration, located in exon 12 (coding exon 10) of the BMPR1A gene, consists of a duplication of GT at position 1426, causing a translational frameshift with a predicted alternate stop codon after 22 amino acids. This variant is not expected to trigger nonsense-mediated mRNA decay, and impacts the last 10% of the protein. However, premature stop codons are typically deleterious in nature, the impacted region is critical for protein function, and a significant portion of the protein is affected (Ambry internal data). This variant was not reported in population-based cohorts in the Genome Aggregation Database (gnomAD). Based on the available evidence, this alteration is classified as pathogenic.